The following is an entry in ClinVar:

ClinVar aggregate classification (germline): Uncertain significance (1 of 4 stars; one submission).

Conditions:
Familial hemiplegic migraine. Identifiers: MedGen C0338484, MONDO:0000700.

Allele frequency attached by ClinVar (database versions not stated): ExAC 0.00001; gnomAD 0.00001; gnomAD exomes 0.00001.
gnomAD v4.1: 4 of 1,613,972 alleles (0.00025%); highest among the groups gnomAD compares: African/African-American, 0.0013%; no homozygotes.

Submission:

Labcorp Genetics (formerly Invitae), Labcorp
Classification: Uncertain significance for Familial hemiplegic migraine. Last evaluated: 2024-10-16. Review status: criteria provided, single submitter. Criteria: Invitae Variant Classification Sherloc (09022015). Collection method: clinical testing. Allele origin: germline.
Comment: This sequence change replaces arginine, which is basic and polar, with histidine, which is basic and polar, at codon 938 of the ATP1A2 protein (p.Arg938His). This variant is present in population databases (rs759097524, gnomAD 0.0009%). This variant has not been reported in the literature in individuals affected with ATP1A2-related conditions. Invitae Evidence Modeling of protein sequence and biophysical properties (such as structural, functional, and spatial information, amino acid conservation, physicochemical variation, residue mobility, and thermodynamic stability) indicates that this missense variant is not expected to disrupt ATP1A2 protein function with a negative predictive value of 80%. In summary, the available evidence is currently insufficient to determine the role of this variant in disease. Therefore, it has been classified as a Variant of Uncertain Significance.

NM_000702.4(ATP1A2):c.2813G>A (p.Arg938His)

Gene: ATP1A2 (ATPase Na+/K+ transporting subunit alpha 2; plus strand). Cytogenetic location: 1q23.2.
Variant type: single nucleotide variant.
Coding change: c.2813G>A on transcript NM_000702.4 (MANE Select); coding-DNA position 2813, G replaced by A.
Protein change: p.Arg938His; replaces arginine 938 with histidine.
Molecular consequence: missense variant.
Genome position (GRCh38, 1-based): chr1:160,137,004, G>A. VCF-style: chr1-160137004-G-A. GRCh37 (hg19) VCF-style: chr1-160106794-G-A.
Other names: short protein forms R938H.
Identifiers: ClinVar variation 2784119 (VCV002784119.3), dbSNP rs759097524, ClinGen allele CA1194841.